The following is an entry in ClinVar:

NM_004415.4(DSP):c.3578_3579insGGCCGGGCGCGGTGGCTCACGCCTGTAATCCCAGCACTTTGGGAGGCCGAGGCGGGCGGATCACGAGGTCANNNNNNNNNNAAAAAAAAAAAAAAAAAAAAGAAAATGAGCTGGC (p.Ala1193_Lys1194insAlaGlyArgGlyGlySerArgLeuTer)

Gene: DSP (desmoplakin; plus strand). Cytogenetic location: 6p24.3.
Variant type: Insertion.
Coding change: c.3578_3579insGGCCGGGCGCGGTGGCTCACGCCTGTAATCCCAGCACTTTGGGAGGCCGAGGCGGGCGGATCACGAGGTCANNNNNNNNNNAAAAAAAAAAAAAAAAAAAAGAAAATGAGCTGGC on transcript NM_004415.4 (MANE Select); coding-DNA positions 3578 to 3579, GGCCGGGCGCGGTGGCTCACGCCTGTAATCCCAGCACTTTGGGAGGCCGAGGCGGGCGGATCACGAGGTCANNNNNNNNNNAAAAAAAAAAAAAAAAAAAAGAAAATGAGCTGGC inserted.
Protein change: p.Ala1193_Lys1194insAlaGlyArgGlyGlySerArgLeuTer.
Molecular consequence: nonsense, inframe insertion.
Genome position: GRCh38: chr6:7,579,768-7,579,769. GRCh37 (hg19): chr6:7,580,001-7,580,002.
Other names: c.3578_3579insGGCCGGGCGCGGTGGCTCACGCCTGTAATCCCAGCACTTTGGGAGGCCGAGGCGGGCGGATCACGAGGTCANNNNNNNNNNAAAAAAAAAAAAAAAAAAAAGAAAATGAGCTGGC, p.Ala1193_Lys1194insAlaGlyArgGlyGlySerArgLeuTer (NM_001008844.3, NM_001319034.2).
Identifiers: ClinVar variation 1457582 (VCV001457582.6), dbSNP rs2113692133.

ClinVar aggregate classification (germline): Pathogenic (1 of 4 stars; one submission).

Conditions:
Arrhythmogenic right ventricular dysplasia 8 (ARVD8). Also called: Arrhythmogenic Right Ventricular Dysplasia/Cardiomyopathy 8; ARRHYTHMOGENIC RIGHT VENTRICULAR DYSPLASIA, FAMILIAL, 8; ARRHYTHMOGENIC RIGHT VENTRICULAR CARDIOMYOPATHY 8. Identifiers: MedGen C1843896, MONDO:0011831, OMIM 607450.
Arrhythmogenic cardiomyopathy with wooly hair and keratoderma. Also called: Arrhythmogenic cardiomyopathy with woolly hair and keratoderma; PALMOPLANTAR KERATODERMA WITH LEFT VENTRICULAR CARDIOMYOPATHY AND WOOLLY HAIR; Carvajal syndrome; Dilated cardiomyopathy with woolly hair and keratoderma. Identifiers: Orphanet 65282, MedGen C1854063, MONDO:0011581, OMIM 605676.

Submission:

Labcorp Genetics (formerly Invitae), Labcorp
Classification: Pathogenic for Arrhythmogenic cardiomyopathy with wooly hair and keratoderma; Arrhythmogenic right ventricular dysplasia 8. Last evaluated: 2024-12-17. Review status: criteria provided, single submitter. Criteria: Invitae Variant Classification Sherloc (09022015). Collection method: clinical testing. Allele origin: germline.
Comment: This sequence change inserts a large fragment of DNA, likely a transposable element, in exon 23 of the DSP gene (c.3578_3579ins?), causing a frameshift at codon 1194 (p.Lys1194fs). The exact size and sequence of the insertion cannot be determined by the current assay. However, the insertion is expected to result in an absent or disrupted protein product. This variant is not present in population databases (gnomAD no frequency). This variant has not been reported in the literature in individuals affected with DSP-related conditions. ClinVar contains an entry for this variant (Variation ID: 1457582). Retrotransposon insertions including LINE1 (L1), Alu, and SVA (SINE-VNTR-Alu) have been reported to be disease-causing through disruption of either a coding region or splice site (PMID: 19763152, 20307669, 22406018) and loss-of-function variants in DSP are known to be pathogenic (PMID: 20716751, 24503780, 25227139). For these reasons, this variant has been classified as Pathogenic.

Literature cited by the submitters: PubMed 19763152; PubMed 20307669; PubMed 22406018; PubMed 20716751; PubMed 24503780; PubMed 25227139.